The following is an entry in ClinVar:

ClinVar aggregate classification (germline): Uncertain significance (1 of 4 stars; one submission).

Conditions:
Parathyroid carcinoma (PRTC). Also called: CDC73-Related Parathyroid Carcinoma; Parathyroid gland carcinoma. Identifiers: Orphanet 143, MedGen C0687150, MONDO:0012004, OMIM 608266, HP:0006780.

Submission:

Labcorp Genetics (formerly Invitae), Labcorp
Classification: Uncertain significance for Parathyroid carcinoma. Last evaluated: 2025-09-11. Review status: criteria provided, single submitter. Criteria: Invitae Variant Classification Sherloc (09022015). Collection method: clinical testing. Allele origin: germline.
Comment: This sequence change replaces histidine, which is basic and polar, with tyrosine, which is neutral and polar, at codon 68 of the CDC73 protein (p.His68Tyr). This variant is not present in population databases (gnomAD no frequency). This variant has not been reported in the literature in individuals affected with CDC73-related conditions. ClinVar contains an entry for this variant (Variation ID: 2802977). Invitae Evidence Modeling of protein sequence and biophysical properties (such as structural, functional, and spatial information, amino acid conservation, physicochemical variation, residue mobility, and thermodynamic stability) indicates that this missense variant is not expected to disrupt CDC73 protein function with a negative predictive value of 80%. In summary, the available evidence is currently insufficient to determine the role of this variant in disease. Therefore, it has been classified as a Variant of Uncertain Significance.

NM_024529.5(CDC73):c.202C>T (p.His68Tyr)

Gene: CDC73 (cell division cycle 73; plus strand). Cytogenetic location: 1q31.2.
Variant type: single nucleotide variant.
Coding change: c.202C>T on transcript NM_024529.5 (MANE Select); coding-DNA position 202, C replaced by T.
Protein change: p.His68Tyr; replaces histidine 68 with tyrosine.
Molecular consequence: missense variant.
Genome position (GRCh38, 1-based): chr1:193,125,182, C>T. VCF-style: chr1-193125182-C-T. GRCh37 (hg19) VCF-style: chr1-193094312-C-T.
Other names: short protein forms H68Y.
Identifiers: ClinVar variation 2802977 (VCV002802977.3), dbSNP rs2527289518, ClinGen allele CA343973184.